The following is an entry in ClinVar:

ClinVar aggregate classification (germline): Uncertain significance (1 of 4 stars; one submission).

Conditions:
Autosomal recessive early-onset Parkinson disease 23. Identifiers: Orphanet 2828, MedGen C4225186, MONDO:0014796, OMIM 616840.

Submission:

Victorian Clinical Genetics Services, Murdoch Childrens Research Institute
Classification: Uncertain significance for Autosomal recessive early-onset Parkinson disease 23. Last evaluated: 2022-02-02. Review status: criteria provided, single submitter. Criteria: ACMG Guidelines, 2015. Collection method: clinical testing. Allele origin: germline. Inheritance: Autosomal recessive inheritance.
Comment: Based on the classification scheme VCGS_Germline_v1.3.4, this variant is classified as VUS-3C. Following criteria are met: 0102 - Loss of function is a known mechanism of disease in this gene and is associated with Parkinson disease 23, autosomal recessive, early onset (MIM#616840). (I) 0106 - This gene is associated with autosomal recessive disease. (I) 0200 - Variant is predicted to result in a missense amino acid change from threonine to isoleucine. (I) 0251 - This variant is heterozygous. (I) 0301 - Variant is absent from gnomAD (both v2 and v3). (SP) 0503 - Missense variant consistently predicted to be tolerated by multiple in silico tools or not conserved in placental mammals with a minor amino acid change. (SB) 0600 - Variant is located in the annotated MRS6 superfamily domain (NCBI). (I) 0705 - No comparable missense variants have previous evidence for pathogenicity. (I) 0807 - This variant has no previous evidence of pathogenicity. (I) 0905 - No published segregation evidence has been identified for this variant. (I) 1007 - No published functional evidence has been identified for this variant. (I) 1208 - Inheritance information for this variant is not currently available in this individual. (I) Legend: (SP) - Supporting pathogenic, (I) - Information, (SB) - Supporting benign

NM_020821.3(VPS13C):c.1304C>T (p.Thr435Ile)

Gene: VPS13C (vacuolar protein sorting 13 homolog C; minus strand). Cytogenetic location: 15q22.2.
Variant type: single nucleotide variant.
Coding change: c.1304C>T on transcript NM_020821.3 (MANE Select); coding-DNA position 1304, C replaced by T.
Protein change: p.Thr435Ile; replaces threonine 435 with isoleucine.
Molecular consequence: missense variant.
Genome position (GRCh38, 1-based): chr15:62,000,613, G>A on the plus strand (C>T on the coding strand, the complement: VPS13C is on the minus strand). VCF-style: chr15-62000613-G-A. GRCh37 (hg19) VCF-style: chr15-62292812-G-A.
Other names: c.1304C>T, p.Thr435Ile (NM_001018088.3); c.1175C>T, p.Thr392Ile (NM_017684.5, NM_018080.4); short protein forms T392I, T435I.
Identifiers: ClinVar variation 1805194 (VCV001805194.1), dbSNP rs2548084224, ClinGen allele CA392687042.